The following is an entry in ClinVar:

NM_000289.6(PFKM):c.2321G>A (p.Arg774Gln)

Gene: PFKM (phosphofructokinase, muscle; plus strand). Cytogenetic location: 12q13.11.
Variant type: single nucleotide variant.
Coding change: c.2321G>A on transcript NM_000289.6 (MANE Select); coding-DNA position 2321, G replaced by A.
Protein change: p.Arg774Gln; replaces arginine 774 with glutamine.
Molecular consequence: missense variant. On other transcripts: non-coding transcript variant (6).
Genome position (GRCh38, 1-based): chr12:48,145,686, G>A. VCF-style: chr12-48145686-G-A. GRCh37 (hg19) VCF-style: chr12-48539469-G-A.
Other names: p.Arg774Gln; c.2534G>A, p.Arg845Gln (NM_001166686.2, NM_001354737.1, NM_001354738.1 and 1 more transcripts); c.2321G>A, p.Arg774Gln (NM_001166687.2, NM_001166688.2, NM_001354742.2 and 2 more transcripts); c.2630G>A, p.Arg877Gln (NM_001354735.1, NM_001354736.1); c.2465G>A, p.Arg822Gln (NM_001354740.1); c.2345G>A, p.Arg782Gln (NM_001354741.2); c.2234G>A, p.Arg745Gln (NM_001354745.2); c.2195G>A, p.Arg732Gln (NM_001354746.2); and 2 more; short protein forms R724Q, R732Q, R743Q, R745Q, R774Q, R782Q, R822Q, R845Q.
Identifiers: ClinVar variation 3380105 (VCV003380105.2).

ClinVar aggregate classification (germline): Uncertain significance. Review status: criteria provided, multiple submitters, no conflicts (2 of 4 stars). 2 submissions from 2 submitters: Uncertain significance (2). Last evaluated 2024-12-28.

Conditions:
Glycogen storage disease, type VII (GSD7). Also called: MUSCLE PHOSPHOFRUCTOKINASE DEFICIENCY; PFKM DEFICIENCY; TARUI DISEASE; GSD VII. Identifiers: Orphanet 371, MedGen C0017926, MONDO:0009295, OMIM 232800.

gnomAD v4.1: 115 of 1,614,052 alleles (0.0071%); highest among the groups gnomAD compares: African/African-American, 0.0093%; no homozygotes.

Submissions (2):

Revvity Omics, Revvity
Classification: Uncertain significance for Glycogen storage disease, type VII. Last evaluated: 2024-12-28. Review status: criteria provided, single submitter. Criteria: ACMG Guidelines, 2015. Collection method: clinical testing. Allele origin: germline.

Mayo Clinic Laboratories, Mayo Clinic
Classification: Uncertain significance. Last evaluated: 2024-08-23. Review status: criteria provided, single submitter. Criteria: ACMG Guidelines, 2015. Collection method: clinical testing. Allele origin: germline. Observed: 1 variant allele.
Comment: PM2